The following is an entry in ClinVar:

NM_001378328.1(CELSR1):c.2918G>C (p.Arg973Pro)

Gene: CELSR1 (cadherin EGF LAG seven-pass G-type receptor 1; minus strand). Cytogenetic location: 22q13.31.
Variant type: single nucleotide variant.
Coding change: c.2918G>C on transcript NM_001378328.1 (MANE Select); coding-DNA position 2918, G replaced by C.
Protein change: p.Arg973Pro; replaces arginine 973 with proline.
Molecular consequence: missense variant.
Genome position (GRCh38, 1-based): chr22:46,534,253, C>G on the plus strand (G>C on the coding strand, the complement: CELSR1 is on the minus strand). VCF-style: chr22-46534253-C-G. GRCh37 (hg19) VCF-style: chr22-46930150-C-G.
Other names: c.2918G>C, p.Arg973Pro (NM_014246.4); short protein forms R973P.
Identifiers: ClinVar variation 2482941 (VCV002482941.4), dbSNP rs139147175, ClinGen allele CA10295139.

ClinVar aggregate classification (germline): Uncertain significance. Review status: criteria provided, multiple submitters, no conflicts (2 of 4 stars). 2 submissions from 2 submitters: Uncertain significance (2). Last evaluated 2025-09-06.

Conditions:
Lymphatic malformation 9. Identifiers: MedGen C5543365, MONDO:0030270, OMIM 619319.

gnomAD v4.1: 9 of 1,613,442 alleles (0.00056%); highest among the groups gnomAD compares: African/African-American, 0.0013%; no homozygotes.

Submissions (2):

Clinical Genomics Laboratory, Washington University in St. Louis
Classification: Uncertain significance for Lymphatic malformation 9. Last evaluated: 2025-09-06. Review status: criteria provided, single submitter. Criteria: ACMG Guidelines, 2015. Collection method: clinical testing. Allele origin: germline.
Comment: A CELSR1 c.2918G>C (p.Arg973Pro) variant was identified at a near heterozygous allelic fraction of 48.4%, a frequency which may be consistent with it being of germline origin. This variant, to our knowledge, has not been reported in the medical literature and is only observed on 9/1,613,442 alleles in the general population (gnomAD v.4.1.0) indicating it is not a common variant. It has been reported as a germline variant of uncertain significance in the ClinVar database by a single submitter (ClinVar variation ID: 2482941). Computational predictors are uncertain as to the impact of this variant on CELSR1 function. Due to limited information and based on ACMG/AMP guidelines for variant interpretation (Richards S et al., PMID: 25741868), the clinical significance of this variant is uncertain at this time.

Ambry Genetics
Classification: Uncertain significance. Last evaluated: 2025-04-30. Review status: criteria provided, single submitter. Criteria: Ambry Variant Classification Scheme 2023. Collection method: clinical testing. Allele origin: germline.